The following is an entry in ClinVar:

ClinVar aggregate classification (germline): Pathogenic/Likely pathogenic. Review status: criteria provided, multiple submitters, no conflicts (2 of 4 stars). 10 submissions from 10 submitters: Pathogenic (2); Likely pathogenic (6). 2 of the submissions do not count toward it. Last evaluated 2026-01-01.

Conditions:
SIX1-related disorder. Also called: SIX1-related condition.
Branchiootic syndrome 3 (BOS3). Also called: BO SYNDROME 3. Identifiers: MedGen C1842124, MONDO:0012025, OMIM 608389.
Autosomal dominant nonsyndromic hearing loss 23. Identifiers: Orphanet 90635, MedGen C1854594, MONDO:0011519, OMIM 605192.

Submissions (10):

CeGaT Center for Human Genetics Tuebingen
Classification: Likely pathogenic. Last evaluated: 2026-01-01. Review status: criteria provided, single submitter. Criteria: CeGaT Center For Human Genetics Tuebingen Variant Classification Criteria Version 2. Collection method: clinical testing. Allele origin: germline. Affected: yes. Observed: 1 variant allele.
Comment: SIX1: PM2, PS4:Moderate, PM4:Supporting, PS3:Supporting

GeneDx
Classification: Pathogenic. Last evaluated: 2025-09-24. Review status: criteria provided, single submitter. Criteria: GeneDx Variant Classification Process June 2021. Collection method: clinical testing. Allele origin: germline.
Comment: Functional studies demonstrate a damaging effect; variant results in diminished DNA binding and decreased lacZ activity (PMID: 19497856, 15141091); In-frame deletion of 1 amino acid in a non-repeat region; Not observed at significant frequency in large population cohorts (gnomAD); In silico analysis supports a deleterious effect on protein structure/function; This variant is associated with the following publications: (PMID: 15141091, 33105617, 19497856, 31595699, 37479820, 36633841, 37458758, 23435380, 39125727)

Labcorp Genetics (formerly Invitae), Labcorp
Classification: Likely pathogenic for Autosomal dominant nonsyndromic hearing loss 23; Branchiootic syndrome 3. Last evaluated: 2025-08-09. Review status: criteria provided, single submitter. Criteria: Invitae Variant Classification Sherloc (09022015). Collection method: clinical testing. Allele origin: germline.
Comment: This variant, c.397_399del, results in the deletion of 1 amino acid(s) of the SIX1 protein (p.Glu133del), but otherwise preserves the integrity of the reading frame. This variant is not present in population databases (gnomAD no frequency). This variant has been observed in individuals with branchiootorenal spectrum conditions and/or early onset deafness (PMID: 15141091, 36633841, 37479820; internal data). It has also been observed to segregate with disease in related individuals. This variant is also known as delE133. ClinVar contains an entry for this variant (Variation ID: 8310). Algorithms developed to predict the effect of variants on gene product structure and function are not available or were not evaluated for this variant. Experimental studies have shown that this variant affects SIX1 function (PMID: 15141091, 19497856, 23435380, 37479820). In summary, the currently available evidence indicates that the variant is pathogenic, but additional data are needed to prove that conclusively. Therefore, this variant has been classified as Likely Pathogenic.

Laboratory of Otorhinolaryngology, Head and Neck Surgery, Seoul National University Hospital
Classification: Likely pathogenic for Branchiootic syndrome 3. Last evaluated: 2023-05-05. Review status: criteria provided, single submitter. Criteria: ACMG AMP Guidelines. Collection method: clinical testing. Allele origin: germline. Affected: yes.

King Laboratory, University of Washington
Classification: Likely pathogenic for Branchiootic syndrome 3. Last evaluated: 2023-02-28. Review status: criteria provided, single submitter. Criteria: Li et al. (Genet Med. 2022). Collection method: research. Allele origin: maternal. Affected: yes.
Comment: This variant was found in heterozygosity in a patient and their mother, both with bilateral sensorineural hearing loss of onset <18 years, in a study of pediatric hearing loss conducted by the King Laboratory (Carlson RJ et al. JAMA-OtoHNS 2023). At the time of recruitment, both patients had preauricular ear pits, but had no other signs associated with branchio-oto-renal syndrome. This family has no other history of hearing loss outside of the proband and their mother. This variant is a three base pair deletion that results in the deletion of the glutamine residue at position 133 of the SIX1 protein. As of January 2023, this variant has been reported to ClinVar as pathogenic/likely pathogenic and is not found on gnomAD. Based on co-segregation with the phenotype in the family and goodness of fit of genotype to phenotype, we conclude that this variant is likely pathogenic.

Blueprint Genetics
Classification: Pathogenic for SIX1-related disorders. Last evaluated: 2022-11-28. Review status: criteria provided, single submitter. Criteria: ACMG Guidelines, 2015. Collection method: clinical testing. Allele origin: germline. Affected: yes. Observed: 2 variant alleles.

3billion
Classification: Likely pathogenic for Branchiootic syndrome 3. Last evaluated: 2022-09-01. Review status: criteria provided, single submitter. Criteria: ACMG Guidelines, 2015. Collection method: clinical testing. Allele origin: germline. Affected: yes. Observed: 1 heterozygote.
Comment: The variant is not observed in the gnomAD v2.1.1 dataset. Inframe deletion located in a nonrepeat region is predicted to change the length of the protein and disrupt normal protein function. Functional studies provide moderate evidence of the variant having a damaging effect on the gene or gene product (PMID: 19497856). The variant has been reported to be associated with SIX1-related disorder (ClinVar ID: VCV000008310 / PMID: 15141091). Therefore, this variant is classified as Likely pathogenic according to the recommendation of ACMG/AMP guideline.

MGZ Medical Genetics Center
Classification: Likely pathogenic for Branchiootic syndrome 3. Last evaluated: 2021-08-16. Review status: criteria provided, single submitter. Criteria: ACMG Guidelines, 2015. Collection method: clinical testing. Allele origin: germline. Affected: yes. Observed: 1 variant allele.
Comment: ACMG criteria applied: PS3_MOD, PS4_MOD, PM4, PM2_SUP

OMIM
Classification: Pathogenic for DEAFNESS, AUTOSOMAL DOMINANT 23. Last evaluated: 2004-05-25. Review status: no assertion criteria provided. Collection method: literature only. Allele origin: germline. Not counted in ClinVar's aggregate classification.

GeneReviews
No classification provided. Condition: Branchiootic syndrome 3. Review status: no classification provided. Collection method: literature only. Allele origin: germline. Not counted in ClinVar's aggregate classification.

Literature cited by the submitters: PubMed 15141091 (cited by 4 submitters); PubMed 36633841 (cited by Labcorp Genetics (formerly Invitae), Labcorp and King Laboratory, University of Washington); PubMed 37479820 (cited by Labcorp Genetics (formerly Invitae), Labcorp); PubMed 19497856 (cited by Labcorp Genetics (formerly Invitae), Labcorp and 3billion); PubMed 23435380 (cited by Labcorp Genetics (formerly Invitae), Labcorp and Laboratory of Otorhinolaryngology, Head and Neck Surgery, Seoul National University Hospital); PubMed 10777717 (cited by OMIM and GeneReviews).

NM_005982.4(SIX1):c.397_399del (p.Glu133del)

Gene: SIX1 (SIX homeobox 1; minus strand). Cytogenetic location: 14q23.1.
Variant type: Deletion.
Coding change: c.397_399del on transcript NM_005982.4 (MANE Select); coding-DNA positions 397 to 399, 3 bases deleted (GAG; older notation c.397_399delGAG).
Protein change: p.Glu133del; deletes glutamic acid 133.
Molecular consequence: inframe deletion.
Genome position (GRCh38, 1-based): chr14:60,648,791-60,648,793, CTC deleted on the plus strand (GAG on the coding strand, the reverse complement: SIX1 is on the minus strand); deleting any 3 consecutive bases within chr14:60,648,791-60,648,795 gives the same sequence; the c. name uses the placement nearest the transcript's 3' end. VCF-style (leftmost placement, unchanged base first): chr14-60648790-TCTC-T. GRCh37 (hg19) VCF-style: chr14-61115508-TCTC-T.
Other names: E133delE; c.397_399del (NM_005982.3); short protein forms E133del.
Identifiers: ClinVar variation 8310 (VCV000008310.20), dbSNP rs80356460, ClinGen allele CA254382.